The following is an entry in ClinVar:

NM_005689.4(ABCB6):c.2167C>T (p.Arg723Trp)

Gene: ABCB6 (ATP binding cassette subfamily B member 6 (LAN blood group); minus strand). Cytogenetic location: 2q35.
Variant type: single nucleotide variant.
Coding change: c.2167C>T on transcript NM_005689.4 (MANE Select); coding-DNA position 2167, C replaced by T.
Protein change: p.Arg723Trp; replaces arginine 723 with tryptophan.
Molecular consequence: missense variant.
Genome position (GRCh38, 1-based): chr2:219,210,800, G>A on the plus strand (C>T on the coding strand, the complement: ABCB6 is on the minus strand). VCF-style: chr2-219210800-G-A. GRCh37 (hg19) VCF-style: chr2-220075522-G-A.
Other names: p.Arg723Trp; c.2029C>T, p.Arg677Trp (NM_001349828.2); short protein forms R677W, R723W.
Identifiers: ClinVar variation 1981126 (VCV001981126.5), dbSNP rs199515171, ClinGen allele CA2119025.
Genomic context (GRCh38, chr2:219,210,800, plus strand): 5'-TGAGGATGGTGCGGGCAATGGCGACGCGCTGCTTCTCCCCGCCGCTCAGCTTCAGTCCCC[G>A]CTCGCCCACCTGTGTCCTGTACCCTGTGGATATTACCCACCACACGTTTCTTACGAAACG-3'
Protein context (NP_005680.1, residues 713-733): PEGYRTQVGE[Arg723Trp]GLKLSGGEKQ

ClinVar aggregate classification (germline): Uncertain significance. Review status: criteria provided, multiple submitters, no conflicts (2 of 4 stars). 2 submissions from 2 submitters: Uncertain significance (2). Last evaluated 2025-02-04.

Allele frequency attached by ClinVar (database versions not stated): gnomAD exomes 0.00003; gnomAD 0.00006; ExAC 0.00008; ESP Exome Variant Server 0.00008; TOPMed 0.00009; 1000 Genomes Project 0.00020; 1000 Genomes Project 30x 0.00031.

Submissions (2):

Mayo Clinic Laboratories, Mayo Clinic
Classification: Uncertain significance. Last evaluated: 2025-02-04. Review status: criteria provided, single submitter. Criteria: ACMG Guidelines, 2015. Collection method: clinical testing. Allele origin: germline. Observed: 1 variant allele.
Comment: PP3_moderate, PM2_supporting

Labcorp Genetics (formerly Invitae), Labcorp
Classification: Uncertain significance. Last evaluated: 2022-05-07. Review status: criteria provided, single submitter. Criteria: Invitae Variant Classification Sherloc (09022015). Collection method: clinical testing. Allele origin: germline.
Comment: In summary, the available evidence is currently insufficient to determine the role of this variant in disease. Therefore, it has been classified as a Variant of Uncertain Significance. This sequence change replaces arginine, which is basic and polar, with tryptophan, which is neutral and slightly polar, at codon 723 of the ABCB6 protein (p.Arg723Trp). This variant is present in population databases (rs199515171, gnomAD 0.1%), and has an allele count higher than expected for a pathogenic variant. This variant has not been reported in the literature in individuals affected with ABCB6-related conditions. Algorithms developed to predict the effect of missense changes on protein structure and function (SIFT, PolyPhen-2, Align-GVGD) all suggest that this variant is likely to be disruptive.